The following is an entry in ClinVar:

ClinVar aggregate classification (germline): Conflicting classifications of pathogenicity. Review status: criteria provided, conflicting classifications (1 of 4 stars). 2 submissions from 2 submitters: Uncertain significance (1); Likely benign (1). Last evaluated 2024-10-01.

Allele frequency attached by ClinVar (database versions not stated): TOPMed 0.00003; gnomAD 0.00004; gnomAD exomes 0.00004; ExAC 0.00007.
gnomAD v4.1: 65 of 1,610,044 alleles (0.004%); highest among the groups gnomAD compares: South Asian, 0.014%; no homozygotes.

Submissions (2):

CeGaT Center for Human Genetics Tuebingen
Classification: Likely benign. Last evaluated: 2024-10-01. Review status: criteria provided, single submitter. Criteria: CeGaT Center For Human Genetics Tuebingen Variant Classification Criteria Version 2. Collection method: clinical testing. Allele origin: germline. Affected: yes. Observed: 1 variant allele.
Comment: ZP2: BP4

Ambry Genetics
Classification: Uncertain significance. Last evaluated: 2022-05-11. Review status: criteria provided, single submitter. Criteria: Ambry Variant Classification Scheme 2023. Collection method: clinical testing. Allele origin: germline.

NM_001376232.1(ZP2):c.1246C>T (p.Arg416Trp)

Gene: ZP2 (zona pellucida glycoprotein 2; minus strand). Cytogenetic location: 16p12.2.
Variant type: single nucleotide variant.
Coding change: c.1246C>T on transcript NM_001376232.1 (MANE Select); coding-DNA position 1246, C replaced by T.
Protein change: p.Arg416Trp; replaces arginine 416 with tryptophan.
Molecular consequence: missense variant. On other transcripts: non-coding transcript variant (1).
Genome position (GRCh38, 1-based): chr16:21,202,145, G>A on the plus strand (C>T on the coding strand, the complement: ZP2 is on the minus strand). VCF-style: chr16-21202145-G-A. GRCh37 (hg19) VCF-style: chr16-21213466-G-A.
Other names: c.1246C>T, p.Arg416Trp (NM_001376231.1, NM_001376233.1, NM_003460.2); short protein forms R416W.
Identifiers: ClinVar variation 2360916 (VCV002360916.16), dbSNP rs766836952, ClinGen allele CA7949807.